The following is an entry in ClinVar:

NM_001365276.2(TNXB):c.1355G>A (p.Cys452Tyr)

Gene: TNXB (tenascin XB; minus strand). Cytogenetic location: 6p21.33.
Variant type: single nucleotide variant.
Coding change: c.1355G>A on transcript NM_001365276.2 (MANE Select); coding-DNA position 1355, G replaced by A.
Protein change: p.Cys452Tyr; replaces cysteine 452 with tyrosine.
Molecular consequence: missense variant.
Genome position (GRCh38, 1-based): chr6:32,096,498, C>T on the plus strand (G>A on the coding strand, the complement: TNXB is on the minus strand). VCF-style: chr6-32096498-C-T. GRCh37 (hg19) VCF-style: chr6-32064275-C-T.
Other names: p.Cys452Tyr; c.1355G>A, p.Cys452Tyr (NM_019105.8); short protein forms C452Y.
Identifiers: ClinVar variation 1693319 (VCV001693319.16), dbSNP rs375984855, ClinGen allele CA3735694.

ClinVar aggregate classification (germline): Conflicting classifications of pathogenicity. Review status: criteria provided, conflicting classifications (1 of 4 stars). 6 submissions from 6 submitters: Uncertain significance (4); Likely benign (2). Last evaluated 2026-01-28.

Conditions:
TNXB-related disorder. Also called: TNXB-related condition.
Cardiovascular phenotype. Identifiers: MedGen CN230736.

Allele frequency attached by ClinVar (database versions not stated): gnomAD exomes 0.00009 and 0.00022; ExAC 0.00021; 1000 Genomes Project 0.00040; 1000 Genomes Project 30x 0.00047; ESP Exome Variant Server 0.00050; gnomAD 0.00082 and 0.00096; TOPMed 0.00105.
gnomAD v4.1: 264 of 1,601,112 alleles (0.016%); highest among the groups gnomAD compares: African/African-American, 0.32%; 1 homozygote.

Submissions (6):

Labcorp Genetics (formerly Invitae), Labcorp
Classification: Likely benign. Last evaluated: 2026-01-28. Review status: criteria provided, single submitter. Criteria: Invitae Variant Classification Sherloc (09022015). Collection method: clinical testing. Allele origin: germline.

Ambry Genetics
Classification: Uncertain significance for Cardiovascular phenotype. Last evaluated: 2025-04-06. Review status: criteria provided, single submitter. Criteria: Ambry Variant Classification Scheme 2023. Collection method: clinical testing. Allele origin: germline.
Comment: The p.C452Y variant (also known as c.1355G>A), located in coding exon 2 of the TNXB gene, results from a G to A substitution at nucleotide position 1355. The cysteine at codon 452 is replaced by tyrosine, an amino acid with highly dissimilar properties. This amino acid position is conserved. In addition, this alteration is predicted to be deleterious by in silico analysis. Since supporting evidence is limited at this time, the clinical significance of this alteration remains unclear.

CeGaT Center for Human Genetics Tuebingen
Classification: Uncertain significance. Last evaluated: 2025-04-01. Review status: criteria provided, single submitter. Criteria: CeGaT Center For Human Genetics Tuebingen Variant Classification Criteria Version 2. Collection method: clinical testing. Allele origin: germline. Affected: yes. Observed: 1 variant allele.
Comment: TNXB: PP3

Mayo Clinic Laboratories, Mayo Clinic
Classification: Uncertain significance. Last evaluated: 2025-03-10. Review status: criteria provided, single submitter. Criteria: ACMG Guidelines, 2015. Collection method: clinical testing. Allele origin: germline. Observed: 1 variant allele.
Comment: BS1, PP3_moderate

PreventionGenetics, part of Exact Sciences
Classification: Likely benign for TNXB-related condition. Last evaluated: 2024-12-20. Review status: criteria provided, single submitter. Criteria: ACMG Guidelines, 2015. Collection method: clinical testing. Allele origin: germline.
Comment: This variant is classified as likely benign based on ACMG/AMP sequence variant interpretation guidelines (Richards et al. 2015 PMID: 25741868, with internal and published modifications).

GeneDx
Classification: Uncertain significance. Last evaluated: 2024-04-22. Review status: criteria provided, single submitter. Criteria: GeneDx Variant Classification Process June 2021. Collection method: clinical testing. Allele origin: germline. Affected: yes.
Comment: Has not been previously published as pathogenic or benign to our knowledge; In silico analysis supports that this missense variant has a deleterious effect on protein structure/function